The following is an entry in ClinVar:

NM_001105206.3(LAMA4):c.1318C>T (p.Arg440Trp)

Gene: LAMA4 (laminin subunit alpha 4; minus strand). Cytogenetic location: 6q21.
Variant type: single nucleotide variant.
Coding change: c.1318C>T on transcript NM_001105206.3 (MANE Select); coding-DNA position 1318, C replaced by T.
Protein change: p.Arg440Trp; replaces arginine 440 with tryptophan.
Molecular consequence: missense variant.
Genome position (GRCh38, 1-based): chr6:112,175,352, G>A on the plus strand (C>T on the coding strand, the complement: LAMA4 is on the minus strand). VCF-style: chr6-112175352-G-A. GRCh37 (hg19) VCF-style: chr6-112496554-G-A.
Other names: p.R433W:CGG>TGG; c.1297C>T, p.Arg433Trp (NM_001105207.3, NM_002290.5); short protein forms R433W, R440W.
Identifiers: ClinVar variation 213602 (VCV000213602.9), dbSNP rs140911762, ClinGen allele CA323643.

ClinVar aggregate classification (germline): Uncertain significance. Review status: criteria provided, multiple submitters, no conflicts (2 of 4 stars). 3 submissions from 3 submitters: Uncertain significance (3). Last evaluated 2025-08-21.

Conditions:
Cardiovascular phenotype. Identifiers: MedGen CN230736.
Dilated cardiomyopathy 1JJ (CMD1JJ). Identifiers: Orphanet 154, MedGen C3808935, MONDO:0014095, OMIM 615235.

Allele frequency attached by ClinVar (database versions not stated): gnomAD 0.00006; TOPMed 0.00014; ESP Exome Variant Server 0.00015.
gnomAD v4.1: 59 of 1,614,030 alleles (0.0037%); highest among the groups gnomAD compares: African/African-American, 0.021%; no homozygotes.

Submissions (3):

Labcorp Genetics (formerly Invitae), Labcorp
Classification: Uncertain significance for Dilated cardiomyopathy 1JJ. Last evaluated: 2025-08-21. Review status: criteria provided, single submitter. Criteria: Invitae Variant Classification Sherloc (09022015). Collection method: clinical testing. Allele origin: germline.
Comment: This sequence change replaces arginine, which is basic and polar, with tryptophan, which is neutral and slightly polar, at codon 433 of the LAMA4 protein (p.Arg433Trp). This variant is present in population databases (rs140911762, gnomAD 0.01%). This variant has not been reported in the literature in individuals affected with LAMA4-related conditions. ClinVar contains an entry for this variant (Variation ID: 213602). Invitae Evidence Modeling of protein sequence and biophysical properties (such as structural, functional, and spatial information, amino acid conservation, physicochemical variation, residue mobility, and thermodynamic stability) indicates that this missense variant is not expected to disrupt LAMA4 protein function with a negative predictive value of 80%. In summary, the available evidence is currently insufficient to determine the role of this variant in disease. Therefore, it has been classified as a Variant of Uncertain Significance.

Ambry Genetics
Classification: Uncertain significance for Cardiovascular phenotype. Last evaluated: 2025-01-19. Review status: criteria provided, single submitter. Criteria: Ambry Variant Classification Scheme 2023. Collection method: clinical testing. Allele origin: germline.
Comment: The p.R433W variant (also known as c.1297C>T), located in coding exon 10 of the LAMA4 gene, results from a C to T substitution at nucleotide position 1297. The arginine at codon 433 is replaced by tryptophan, an amino acid with dissimilar properties. This amino acid position is not well conserved in available vertebrate species. In addition, this alteration is predicted to be tolerated by in silico analysis. Since supporting evidence is limited at this time, the clinical significance of this alteration remains unclear.

GeneDx
Classification: Uncertain significance. Last evaluated: 2022-03-08. Review status: criteria provided, single submitter. Criteria: GeneDx Variant Classification Process June 2021. Collection method: clinical testing. Allele origin: germline. Affected: yes.
Comment: Has not been previously published as pathogenic or benign to our knowledge; In silico analysis supports that this missense variant has a deleterious effect on protein structure/function